The following is an entry in ClinVar:

NM_144672.4(OTOA):c.980+6C>T

Gene: OTOA (otoancorin). Cytogenetic location: 16p12.2.
Variant type: single nucleotide variant.
Coding change: c.980+6C>T on transcript NM_144672.4 (MANE Select); 6 bases into the intron after coding-DNA position 980, C replaced by T.
Molecular consequence: intron variant.
Genome position (GRCh38, 1-based): chr16:21,701,033, C>T. VCF-style: chr16-21701033-C-T. GRCh37 (hg19) VCF-style: chr16-21712354-C-T.
Other names: c.743+6C>T (NM_001161683.2).
Identifiers: ClinVar variation 669180 (VCV000669180.1), dbSNP rs373103963, ClinGen allele CA7952470.
Genomic context (GRCh38, chr16:21,701,033, plus strand): 5'-TGGAGAGGATCAGCTCCTCCAACTTTAACATGAGGAATACCTCCACCATCCACAGGCAAG[C>T]GCATGAGCTCTGGGCCTTGGAGCCCTTTCCCAAGATGTGATCTAAGCATCAGAATTCTCT-3'

ClinVar aggregate classification (germline): Likely benign (1 of 4 stars; one submission).

Allele frequency attached by ClinVar (database versions not stated): ExAC 0.00001; gnomAD exomes 0.00002; gnomAD 0.00004; TOPMed 0.00006; ESP Exome Variant Server 0.00015.
gnomAD v4.1: 20 of 1,614,038 alleles (0.0012%); highest among the groups gnomAD compares: African/African-American, 0.0067%; no homozygotes.

Submission:

GeneDx
Classification: Likely benign. Last evaluated: 2018-06-06. Review status: criteria provided, single submitter. Criteria: GeneDx Variant Classification (06012015). Collection method: clinical testing. Allele origin: germline. Affected: yes.
Comment: This variant is considered likely benign or benign based on one or more of the following criteria: it is a conservative change, it occurs at a poorly conserved position in the protein, it is predicted to be benign by multiple in silico algorithms, and/or has population frequency not consistent with disease.